The following is an entry in ClinVar:

ClinVar aggregate classification (germline): Benign/Likely benign. Review status: criteria provided, multiple submitters, no conflicts (2 of 4 stars). 2 submissions from 2 submitters: Benign (1); Likely benign (1). Last evaluated 2026-01-28.

Allele frequency attached by ClinVar (database versions not stated): 1000 Genomes Project 0.00180; ESP Exome Variant Server 0.00208; gnomAD 0.00211 and 0.00218; TOPMed 0.00227; ExAC 0.00236; gnomAD exomes 0.00243 and 0.00278; 1000 Genomes Project 30x 0.00172.
gnomAD v4.1: 4,392 of 1,613,042 alleles (0.27%); highest among the groups gnomAD compares: Middle Eastern, 0.45%; 17 homozygotes.

Submissions (2):

Labcorp Genetics (formerly Invitae), Labcorp
Classification: Benign. Last evaluated: 2026-01-28. Review status: criteria provided, single submitter. Criteria: Invitae Variant Classification Sherloc (09022015). Collection method: clinical testing. Allele origin: germline.

CeGaT Center for Human Genetics Tuebingen
Classification: Likely benign. Last evaluated: 2023-07-01. Review status: criteria provided, single submitter. Criteria: CeGaT Center For Human Genetics Tuebingen Variant Classification Criteria Version 2. Collection method: clinical testing. Allele origin: germline. Affected: yes. Observed: 3 variant alleles.
Comment: CELSR2: BP4, BP7, BS2

NM_001408.3(CELSR2):c.8154G>A (p.Thr2718=)

Gene: CELSR2 (cadherin EGF LAG seven-pass G-type receptor 2; plus strand). Cytogenetic location: 1p13.3.
Variant type: single nucleotide variant.
Coding change: c.8154G>A on transcript NM_001408.3 (MANE Select); coding-DNA position 8154, G replaced by A.
Protein change: p.Thr2718=; no amino-acid change (threonine 2718 retained).
Molecular consequence: synonymous variant.
Genome position (GRCh38, 1-based): chr1:109,272,843, G>A. VCF-style: chr1-109272843-G-A. GRCh37 (hg19) VCF-style: chr1-109815465-G-A.
Identifiers: ClinVar variation 784568 (VCV000784568.32), dbSNP rs41279718, ClinGen allele CA988492.